The following is an entry in ClinVar:

ClinVar aggregate classification (germline): Uncertain significance (1 of 4 stars; one submission).

Conditions:
Desmin-related myofibrillar myopathy (MFM1). Also called: MYOFIBRILLAR MYOPATHY WITH ARRHYTHMOGENIC RIGHT VENTRICULAR CARDIOMYOPATHY; DESMIN-RELATED MYOPATHY WITH ARRHYTHMOGENIC RIGHT VENTRICULAR CARDIOMYOPATHY; Desminopathy; Desmin related myopathy (former name); Desmin storage myopathy (former name); Myofibrillar myopathy 1. Identifiers: Orphanet 363543, Orphanet 98909, MedGen C1832370, MONDO:0011076, OMIM 601419.

Submission:

Labcorp Genetics (formerly Invitae), Labcorp
Classification: Uncertain significance for Desmin-related myofibrillar myopathy. Last evaluated: 2023-04-25. Review status: criteria provided, single submitter. Criteria: Invitae Variant Classification Sherloc (09022015). Collection method: clinical testing. Allele origin: germline.
Comment: In summary, the available evidence is currently insufficient to determine the role of this variant in disease. Therefore, it has been classified as a Variant of Uncertain Significance. Advanced modeling of protein sequence and biophysical properties (such as structural, functional, and spatial information, amino acid conservation, physicochemical variation, residue mobility, and thermodynamic stability) performed at Invitae indicates that this missense variant is not expected to disrupt DES protein function. This variant has not been reported in the literature in individuals affected with DES-related conditions. This variant is not present in population databases (gnomAD no frequency). This sequence change replaces proline, which is neutral and non-polar, with serine, which is neutral and polar, at codon 80 of the DES protein (p.Pro80Ser).

NM_001927.4(DES):c.238C>T (p.Pro80Ser)

Gene: DES (desmin; plus strand). Cytogenetic location: 2q35.
Variant type: single nucleotide variant.
Coding change: c.238C>T on transcript NM_001927.4 (MANE Select); coding-DNA position 238, C replaced by T.
Protein change: p.Pro80Ser; replaces proline 80 with serine.
Molecular consequence: missense variant.
Genome position (GRCh38, 1-based): chr2:219,418,700, C>T. VCF-style: chr2-219418700-C-T. GRCh37 (hg19) VCF-style: chr2-220283422-C-T.
Other names: c.238C>T, p.Pro80Ser (NM_001382708.1, NM_001382709.1, NM_001382710.1 and 3 more transcripts); short protein forms P80S.
Identifiers: ClinVar variation 2947107 (VCV002947107.3), dbSNP rs2545246767, ClinGen allele CA350684323.